The following is an entry in ClinVar:

NM_030662.4(MAP2K2):c.918C>T (p.Ser306=)

Gene: MAP2K2 (mitogen-activated protein kinase kinase 2; minus strand). Cytogenetic location: 19p13.3.
Variant type: single nucleotide variant.
Coding change: c.918C>T on transcript NM_030662.4 (MANE Select); coding-DNA position 918, C replaced by T.
Protein change: p.Ser306=; no amino-acid change (serine 306 retained).
Molecular consequence: synonymous variant.
Genome position (GRCh38, 1-based): chr19:4,099,202, G>A on the plus strand (C>T on the coding strand, the complement: MAP2K2 is on the minus strand). VCF-style: chr19-4099202-G-A. GRCh37 (hg19) VCF-style: chr19-4099200-G-A.
Identifiers: ClinVar variation 477729 (VCV000477729.10), dbSNP rs777196833, ClinGen allele CA9090796.

ClinVar aggregate classification (germline): Conflicting classifications of pathogenicity. Review status: criteria provided, conflicting classifications (1 of 4 stars). 3 submissions from 3 submitters: Uncertain significance (1); Likely benign (1). 1 of the submissions does not count toward it. Last evaluated 2025-09-20.

Conditions:
MAP2K2-related disorder. Also called: MAP2K2-related condition.
RASopathy. Also called: rasopathies; Noonan spectrum disorder. Identifiers: Orphanet 536391, MedGen C5555857, MONDO:0021060.
Cardiovascular phenotype. Identifiers: MedGen CN230736.

Allele frequency attached by ClinVar (database versions not stated): gnomAD exomes 0.00001; gnomAD 0.00003; TOPMed 0.00003; ExAC 0.00004.
gnomAD v4.1: 24 of 1,599,690 alleles (0.0015%); highest among the groups gnomAD compares: African/African-American, 0.0067%; no homozygotes.

Submissions (3):

Labcorp Genetics (formerly Invitae), Labcorp
Classification: Uncertain significance for RASopathy. Last evaluated: 2025-09-20. Review status: criteria provided, single submitter. Criteria: Invitae Variant Classification Sherloc (09022015). Collection method: clinical testing. Allele origin: germline.
Comment: This sequence change affects codon 306 of the MAP2K2 mRNA. It is a 'silent' change, meaning that it does not change the encoded amino acid sequence of the MAP2K2 protein. It affects a nucleotide within the consensus splice site. The frequency data for this variant in the population databases is considered unreliable, as metrics indicate poor data quality at this position in the gnomAD database. This variant has not been reported in the literature in individuals affected with MAP2K2-related conditions. ClinVar contains an entry for this variant (Variation ID: 477729). Algorithms developed to predict the effect of sequence changes on RNA splicing suggest that this variant is not likely to affect RNA splicing. In summary, the available evidence is currently insufficient to determine the role of this variant in disease. Therefore, it has been classified as a Variant of Uncertain Significance.

Ambry Genetics
Classification: Likely benign for Cardiovascular phenotype. Last evaluated: 2023-01-25. Review status: criteria provided, single submitter. Criteria: Ambry Variant Classification Scheme 2023. Collection method: clinical testing. Allele origin: germline.

PreventionGenetics, part of Exact Sciences
Classification: Likely benign for MAP2K2-related condition. Last evaluated: 2022-04-04. Review status: no assertion criteria provided. Collection method: clinical testing. Allele origin: germline. Not counted in ClinVar's aggregate classification.
Comment: This variant is classified as likely benign based on ACMG/AMP sequence variant interpretation guidelines (Richards et al. 2015 PMID: 25741868, with internal and published modifications).